The following is an entry in ClinVar:

NM_004006.3(DMD):c.7084C>T (p.Pro2362Ser)

Gene: DMD (dystrophin; minus strand). Cytogenetic location: Xp21.1.
Variant type: single nucleotide variant.
Coding change: c.7084C>T on transcript NM_004006.3 (MANE Select); coding-DNA position 7084, C replaced by T.
Protein change: p.Pro2362Ser; replaces proline 2362 with serine.
Molecular consequence: missense variant. On other transcripts: 5 prime UTR variant (5).
Genome position (GRCh38, 1-based): chrX:31,875,202, G>A on the plus strand (C>T on the coding strand, the complement: DMD is on the minus strand). VCF-style: chrX-31875202-G-A. GRCh37 (hg19) VCF-style: chrX-31893319-G-A.
Other names: c.7060C>T, p.Pro2354Ser (NM_000109.4); c.7072C>T, p.Pro2358Ser (NM_004009.3); c.6715C>T, p.Pro2239Ser (NM_004010.3); c.3061C>T, p.Pro1021Ser (NM_004011.4); c.3052C>T, p.Pro1018Ser (NM_004012.4); c.-297C>T (NM_004013.3, NM_004020.4, NM_004021.3 and 2 more transcripts); short protein forms P1021S, P2239S, P1018S, P2354S, P2358S, P2362S.
Identifiers: ClinVar variation 913593 (VCV000913593.12), dbSNP rs2093949947, ClinGen allele CA412659883.

ClinVar aggregate classification (germline): Uncertain significance. Review status: criteria provided, multiple submitters, no conflicts (2 of 4 stars). 3 submissions from 3 submitters: Uncertain significance (2). 1 of the submissions does not count toward it. Last evaluated 2020-10-05.

Conditions:
Dilated cardiomyopathy 3B (CMD3B). Also called: CMD3B: DMD-Related Dilated Cardiomyopathy; CARDIOMYOPATHY, DILATED, X-LINKED; DMD-Associated Dilated Cardiomyopathy. Identifiers: Orphanet 154, MedGen C3668940, MONDO:0010542, OMIM 302045.
Duchenne muscular dystrophy (DMD). Also called: Duchenne Muscular Dystrophy (DMD); MUSCULAR DYSTROPHY, PSEUDOHYPERTROPHIC PROGRESSIVE, DUCHENNE TYPE. Identifiers: Orphanet 98896, MedGen C0013264, MONDO:0010679, OMIM 310200.
Cardiomyopathy (CMYO). Also called: Cardiomyopathies. Identifiers: Orphanet 167848, MedGen C0878544, MONDO:0004994, HP:0001638. Inheritance: Various modes of inheritance.
Dystrophin deficiency.
Becker muscular dystrophy (BMD). Also called: MUSCULAR DYSTROPHY, PSEUDOHYPERTROPHIC PROGRESSIVE, BECKER TYPE; Becker Muscular Dystrophy (BMD). Identifiers: Orphanet 98895, MedGen C0917713, MONDO:0010311, OMIM 300376.

Allele frequency attached by ClinVar (database versions not stated): gnomAD exomes below 0.00001.
gnomAD v4.1: 3 of 1,203,913 alleles (0.00025%); highest among the groups gnomAD compares: Middle Eastern, 0.07%; no homozygotes.

Submissions (3):

Labcorp Genetics (formerly Invitae), Labcorp
Classification: Uncertain significance for Duchenne muscular dystrophy. Last evaluated: 2020-10-05. Review status: criteria provided, single submitter. Criteria: Invitae Variant Classification Sherloc (09022015). Collection method: clinical testing. Allele origin: germline.
Comment: In summary, the available evidence is currently insufficient to determine the role of this variant in disease. Therefore, it has been classified as a Variant of Uncertain Significance. Algorithms developed to predict the effect of missense changes on protein structure and function (SIFT, PolyPhen-2, Align-GVGD) all suggest that this variant is likely to be tolerated, but these predictions have not been confirmed by published functional studies and their clinical significance is uncertain. This variant has not been reported in the literature in individuals with DMD-related conditions. ClinVar contains an entry for this variant (Variation ID: 913593). This variant is not present in population databases (ExAC no frequency). This sequence change replaces proline with serine at codon 2362 of the DMD protein (p.Pro2362Ser). The proline residue is moderately conserved and there is a moderate physicochemical difference between proline and serine.

Illumina Laboratory Services, Illumina
Classification: Uncertain significance for Dilated cardiomyopathy 3B. Last evaluated: 2018-01-12. Review status: criteria provided, single submitter. Criteria: ICSL Variant Classification Criteria 13 December 2019. Collection method: clinical testing. Allele origin: germline.

Natera, Inc.
Classification: Uncertain significance for Becker muscular dystrophy; Cardiomyopathy; Duchenne muscular dystrophy; Dystrophin deficiency. Last evaluated: 2020-08-19. Review status: no assertion criteria provided. Collection method: clinical testing. Allele origin: germline. Not counted in ClinVar's aggregate classification.